The following is an entry in ClinVar:

NM_016169.4(SUFU):c.986C>G (p.Pro329Arg)

Gene: SUFU (SUFU negative regulator of hedgehog signaling; plus strand). Cytogenetic location: 10q24.32.
Variant type: single nucleotide variant.
Coding change: c.986C>G on transcript NM_016169.4 (MANE Select); coding-DNA position 986, C replaced by G.
Protein change: p.Pro329Arg; replaces proline 329 with arginine.
Molecular consequence: missense variant.
Genome position (GRCh38, 1-based): chr10:102,599,508, C>G. VCF-style: chr10-102599508-C-G. GRCh37 (hg19) VCF-style: chr10-104359265-C-G.
Other names: c.986C>G, p.Pro329Arg (NM_001178133.2); short protein forms P329R.
Identifiers: ClinVar variation 4843410 (VCV004843410.1).
Genomic context (GRCh38, chr10:102,599,508, plus strand): 5'-GGGAGACCCTGAGGAGAGGACTCGAGATCAACAGCAAACCTGTCCTTCCACCAATCAACC[C>G]TCAGCGGCAGAATGGCCTCGCCCACGACCGGGCCCCGTAAGTTCCCCAGTGTCCCTGGGC-3'
Protein context (NP_057253.2, residues 319-339): NSKPVLPPIN[Pro329Arg]QRQNGLAHDR

ClinVar aggregate classification (germline): Uncertain significance (1 of 4 stars; one submission).

Conditions:
Hereditary cancer-predisposing syndrome. Also called: Neoplastic Syndromes, Hereditary; Tumor predisposition; Hereditary Cancer Syndrome; Hereditary neoplastic syndrome. Identifiers: Orphanet 140162, MedGen C0027672, MeSH D009386, MONDO:0015356.

Submission:

Ambry Genetics
Classification: Uncertain significance for Hereditary cancer-predisposing syndrome. Last evaluated: 2025-12-21. Review status: criteria provided, single submitter. Criteria: Ambry Variant Classification Scheme 2023. Collection method: clinical testing. Allele origin: germline.
Comment: The p.P329R variant (also known as c.986C>G), located in coding exon 8 of the SUFU gene, results from a C to G substitution at nucleotide position 986. The proline at codon 329 is replaced by arginine, an amino acid with dissimilar properties. This amino acid position is conserved. In addition, this alteration is predicted to be tolerated by in silico analysis. Based on the available evidence, the clinical significance of this variant remains unclear.